The following is an entry in ClinVar:

ClinVar aggregate classification (germline): Uncertain significance (1 of 4 stars; one submission).

Conditions:
Brittle cornea syndrome 2 (BCS2). Identifiers: Orphanet 90354, MedGen C3280011, MONDO:0013605, OMIM 614170.
Cardiovascular phenotype. Identifiers: MedGen CN230736.

Submission:

Ambry Genetics
Classification: Uncertain significance for Cardiovascular phenotype. Last evaluated: 2021-09-17. Review status: criteria provided, single submitter. Criteria: Ambry Variant Classification Scheme 2023. Collection method: clinical testing. Allele origin: germline.

NM_018699.4(PRDM5):c.1208C>G (p.Pro403Arg)

Gene: PRDM5 (PR/SET domain 5; minus strand). Cytogenetic location: 4q27.
Variant type: single nucleotide variant.
Coding change: c.1208C>G on transcript NM_018699.4 (MANE Select); coding-DNA position 1208, C replaced by G.
Protein change: p.Pro403Arg; replaces proline 403 with arginine.
Molecular consequence: missense variant.
Genome position (GRCh38, 1-based): chr4:120,785,072, G>C on the plus strand (C>G on the coding strand, the complement: PRDM5 is on the minus strand). VCF-style: chr4-120785072-G-C. GRCh37 (hg19) VCF-style: chr4-121706227-G-C.
Other names: c.1115C>G, p.Pro372Arg (NM_001300823.2, NM_001300824.2, NM_001379106.1); c.1241C>G, p.Pro414Arg (NM_001379104.1); short protein forms P372R, P403R, P414R.
Identifiers: ClinVar variation 1339868 (VCV001339868.5), dbSNP rs769647986, ClinGen allele CA358209458.